The following is an entry in ClinVar:

ClinVar aggregate classification (germline): Uncertain significance (1 of 4 stars; one submission).

Submission:

Mayo Clinic Laboratories, Mayo Clinic
Classification: Uncertain significance. Last evaluated: 2024-06-11. Review status: criteria provided, single submitter. Criteria: ACMG Guidelines, 2015. Collection method: clinical testing. Allele origin: germline. Observed: 1 variant allele.
Comment: BP4, PM2

NM_144596.4(TTC8):c.787T>C (p.Tyr263His)

Gene: TTC8 (tetratricopeptide repeat domain 8; plus strand). Cytogenetic location: 14q31.3.
Variant type: single nucleotide variant.
Coding change: c.787T>C on transcript NM_144596.4 (MANE Select); coding-DNA position 787, T replaced by C.
Protein change: p.Tyr263His; replaces tyrosine 263 with histidine.
Molecular consequence: missense variant. On other transcripts: non-coding transcript variant (1).
Genome position (GRCh38, 1-based): chr14:88,857,266, T>C. VCF-style: chr14-88857266-T-C. GRCh37 (hg19) VCF-style: chr14-89323610-T-C.
Other names: p.Tyr253His; c.835T>C, p.Tyr279His (NM_001288781.1); c.193T>C, p.Tyr65His (NM_001288782.1); c.70T>C, p.Tyr24His (NM_001288783.1); c.757T>C, p.Tyr253His (NM_001366535.2, NM_198309.3); c.667T>C, p.Tyr223His (NM_001366536.2, NM_198310.3); short protein forms Y223H, Y24H, Y253H, Y263H, Y279H, Y65H.
Identifiers: ClinVar variation 3380228 (VCV003380228.1).